The following is an entry in ClinVar:

ClinVar aggregate classification (germline): Uncertain significance (1 of 4 stars; one submission).

Conditions:
Isovaleryl-CoA dehydrogenase deficiency (IVA). Also called: ISOVALERIC ACID CoA DEHYDROGENASE DEFICIENCY; Isovaleric acidemia; IVD DEFICIENCY; Classic Isovaleric Acidemia. Identifiers: Orphanet 33, MedGen C0268575, MONDO:0009475, OMIM 243500.

Submission:

Labcorp Genetics (formerly Invitae), Labcorp
Classification: Uncertain significance for Isovaleryl-CoA dehydrogenase deficiency. Last evaluated: 2024-05-10. Review status: criteria provided, single submitter. Criteria: Invitae Variant Classification Sherloc (09022015). Collection method: clinical testing. Allele origin: germline.
Comment: This sequence change replaces proline, which is neutral and non-polar, with alanine, which is neutral and non-polar, at codon 294 of the IVD protein (p.Pro294Ala). This variant is not present in population databases (gnomAD no frequency). This variant has not been reported in the literature in individuals affected with IVD-related conditions. An algorithm developed to predict the effect of missense changes on protein structure and function (PolyPhen-2) suggests that this variant is likely to be tolerated. In summary, the available evidence is currently insufficient to determine the role of this variant in disease. Therefore, it has been classified as a Variant of Uncertain Significance.

NM_002225.5(IVD):c.871C>G (p.Pro291Ala)

Gene: IVD (isovaleryl-CoA dehydrogenase; plus strand). Cytogenetic location: 15q15.1.
Variant type: single nucleotide variant.
Coding change: c.871C>G on transcript NM_002225.5 (MANE Select); coding-DNA position 871, C replaced by G.
Protein change: p.Pro291Ala; replaces proline 291 with alanine.
Molecular consequence: missense variant. On other transcripts: non-coding transcript variant (1).
Genome position (GRCh38, 1-based): chr15:40,414,975, C>G. VCF-style: chr15-40414975-C-G. GRCh37 (hg19) VCF-style: chr15-40707174-C-G.
Other names: c.781C>G, p.Pro261Ala (NM_001159508.3); c.823C>G, p.Pro275Ala (NM_001354597.3); c.871C>G, p.Pro291Ala (NM_001354598.3, NM_001354601.3); c.958C>G, p.Pro320Ala (NM_001354599.3, NM_001354600.3); short protein forms P275A, P320A, P261A, P291A.
Identifiers: ClinVar variation 3678130 (VCV003678130.2).
Genomic context (GRCh38, chr15:40,414,975, plus strand): 5'-AAGGGTGTCTACGTGCTGATGAGTGGGCTGGACCTGGAGCGGCTGGTGCTGGCCGGGGGG[C>G]CTCTTGGGTAAGTGTGAGAGGCTTGAGGGAAGCTGGGCTCTGTCGGCCTCCTCGGCAGGT-3'
Protein context (NP_002216.3, residues 281-301): DLERLVLAGG[Pro291Ala]LGLMQAVLDH